The following is an entry in ClinVar:

ClinVar aggregate classification (germline): Uncertain significance. Review status: criteria provided, multiple submitters, no conflicts (2 of 4 stars). 2 submissions from 2 submitters: Uncertain significance (2). Last evaluated 2023-02-27.

Conditions:
Inborn genetic diseases. Identifiers: MedGen C0950123, MeSH D030342.

Allele frequency attached by ClinVar (database versions not stated): ExAC 0.00002.
gnomAD v4.1: 41 of 1,613,192 alleles (0.0025%); highest among the groups gnomAD compares: Non-Finnish European, 0.0035%; no homozygotes.

Submissions (2):

Ambry Genetics
Classification: Uncertain significance for Inborn genetic diseases. Last evaluated: 2023-02-27. Review status: criteria provided, single submitter. Criteria: Ambry Variant Classification Scheme 2023. Collection method: clinical testing. Allele origin: germline.
Comment: The p.K2N variant (also known as c.6G>T) is located in coding exon 2 of the ERCC2 gene. The lysine at codon 2 is replaced by asparagine, an amino acid with similar properties. This change occurs in the first base pair of coding exon 2. This amino acid position is conserved. In addition, the in silico prediction for this alteration is inconclusive. Since supporting evidence is limited at this time, the clinical significance of this alteration remains unclear.

Labcorp Genetics (formerly Invitae), Labcorp
Classification: Uncertain significance. Last evaluated: 2022-05-25. Review status: criteria provided, single submitter. Criteria: Invitae Variant Classification Sherloc (09022015). Collection method: clinical testing. Allele origin: germline.
Comment: This sequence change replaces lysine, which is basic and polar, with asparagine, which is neutral and polar, at codon 2 of the ERCC2 protein (p.Lys2Asn). This variant is present in population databases (rs200443634, gnomAD 0.004%). This variant has not been reported in the literature in individuals affected with ERCC2-related conditions. Algorithms developed to predict the effect of missense changes on protein structure and function are either unavailable or do not agree on the potential impact of this missense change (SIFT: "Deleterious"; PolyPhen-2: "Benign"; Align-GVGD: "Class C0"). Algorithms developed to predict the effect of sequence changes on RNA splicing suggest that this variant may disrupt the consensus splice site. In summary, the available evidence is currently insufficient to determine the role of this variant in disease. Therefore, it has been classified as a Variant of Uncertain Significance.

NM_000400.4(ERCC2):c.6G>T (p.Lys2Asn)

Gene: ERCC2 (ERCC excision repair 2, TFIIH core complex helicase subunit; minus strand). Cytogenetic location: 19q13.32.
Variant type: single nucleotide variant.
Coding change: c.6G>T on transcript NM_000400.4 (MANE Select); coding-DNA position 6, G replaced by T.
Protein change: p.Lys2Asn; replaces lysine 2 with asparagine.
Molecular consequence: missense variant. On other transcripts: 5 prime UTR variant (1).
Genome position (GRCh38, 1-based): chr19:45,370,232, C>A on the plus strand (G>T on the coding strand, the complement: ERCC2 is on the minus strand). VCF-style: chr19-45370232-C-A. GRCh37 (hg19) VCF-style: chr19-45873490-C-A.
Other names: c.-67G>T (NM_001130867.2); short protein forms K2N.
Identifiers: ClinVar variation 2140235 (VCV002140235.3), dbSNP rs200443634, ClinGen allele CA9513959.